The following is an entry in ClinVar:

NM_080473.5(GATA5):c.756G>A (p.Thr252=)

Gene: GATA5 (GATA binding protein 5; minus strand). Cytogenetic location: 20q13.33.
Variant type: single nucleotide variant.
Coding change: c.756G>A on transcript NM_080473.5 (MANE Select); coding-DNA position 756, G replaced by A.
Protein change: p.Thr252=; no amino-acid change (threonine 252 retained).
Molecular consequence: synonymous variant.
Genome position (GRCh38, 1-based): chr20:62,466,495, C>T on the plus strand (G>A on the coding strand, the complement: GATA5 is on the minus strand). VCF-style: chr20-62466495-C-T. GRCh37 (hg19) VCF-style: chr20-61041551-C-T.
Identifiers: ClinVar variation 1590361 (VCV001590361.18), dbSNP rs782520253, ClinGen allele CA9946203.

ClinVar aggregate classification (germline): Likely benign. Review status: criteria provided, multiple submitters, no conflicts (2 of 4 stars). 2 submissions from 2 submitters: Likely benign (2). Last evaluated 2025-11-21.

Allele frequency attached by ClinVar (database versions not stated): gnomAD 0.00002; gnomAD exomes 0.00002 and 0.00005; TOPMed 0.00005; ExAC 0.00018.
gnomAD v4.1: 31 of 1,571,274 alleles (0.002%); highest among the groups gnomAD compares: East Asian, 0.04%; no homozygotes.

Submissions (2):

Labcorp Genetics (formerly Invitae), Labcorp
Classification: Likely benign. Last evaluated: 2025-11-21. Review status: criteria provided, single submitter. Criteria: Invitae Variant Classification Sherloc (09022015). Collection method: clinical testing. Allele origin: germline.

CeGaT Center for Human Genetics Tuebingen
Classification: Likely benign. Last evaluated: 2025-05-01. Review status: criteria provided, single submitter. Criteria: CeGaT Center For Human Genetics Tuebingen Variant Classification Criteria Version 2. Collection method: clinical testing. Allele origin: germline. Affected: yes. Observed: 1 variant allele.
Comment: GATA5: BP4, BP7